The following is an entry in ClinVar:

ClinVar aggregate classification (germline): Uncertain significance (1 of 4 stars; one submission).

Conditions:
Dyskeratosis congenita. Identifiers: Orphanet 1775, MedGen C0265965, MONDO:0015780.

Submission:

Labcorp Genetics (formerly Invitae), Labcorp
Classification: Uncertain significance for Dyskeratosis congenita. Last evaluated: 2022-03-10. Review status: criteria provided, single submitter. Criteria: Invitae Variant Classification Sherloc (09022015). Collection method: clinical testing. Allele origin: germline.
Comment: In summary, the available evidence is currently insufficient to determine the role of this variant in disease. Therefore, it has been classified as a Variant of Uncertain Significance. Algorithms developed to predict the effect of missense changes on protein structure and function output the following: SIFT: "Tolerated"; PolyPhen-2: "Benign"; Align-GVGD: "Class C0". The valine amino acid residue is found in multiple mammalian species, which suggests that this missense change does not adversely affect protein function. This variant has not been reported in the literature in individuals affected with CTC1-related conditions. This variant is not present in population databases (gnomAD no frequency). This sequence change replaces isoleucine, which is neutral and non-polar, with valine, which is neutral and non-polar, at codon 799 of the CTC1 protein (p.Ile799Val).

NM_025099.6(CTC1):c.2395A>G (p.Ile799Val)

Gene: CTC1 (CST telomere replication complex component 1; minus strand). Cytogenetic location: 17p13.1.
Variant type: single nucleotide variant.
Coding change: c.2395A>G on transcript NM_025099.6 (MANE Select); coding-DNA position 2395, A replaced by G.
Protein change: p.Ile799Val; replaces isoleucine 799 with valine.
Molecular consequence: missense variant. On other transcripts: non-coding transcript variant (1).
Genome position (GRCh38, 1-based): chr17:8,231,806, T>C on the plus strand (A>G on the coding strand, the complement: CTC1 is on the minus strand). VCF-style: chr17-8231806-T-C. GRCh37 (hg19) VCF-style: chr17-8135124-T-C.
Other names: short protein forms I799V.
Identifiers: ClinVar variation 1424299 (VCV001424299.6), dbSNP rs2151508501, ClinGen allele CA397976920.